The following is an entry in ClinVar:

NM_005097.4(LGI1):c.1434G>A (p.Val478=)

Gene: LGI1 (leucine rich glioma inactivated 1; plus strand). Cytogenetic location: 10q23.33.
Variant type: single nucleotide variant.
Coding change: c.1434G>A on transcript NM_005097.4 (MANE Select); coding-DNA position 1434, G replaced by A.
Protein change: p.Val478=; no amino-acid change (valine 478 retained).
Molecular consequence: synonymous variant. On other transcripts: non-coding transcript variant (1), intron variant (1).
Genome position (GRCh38, 1-based): chr10:93,797,563, G>A. VCF-style: chr10-93797563-G-A. GRCh37 (hg19) VCF-style: chr10-95557320-G-A.
Other names: c.1434G>A (NM_005097.2); c.1290G>A, p.Val430= (NM_001308276.2); c.839-186G>A (NM_001308275.2).
Identifiers: ClinVar variation 2770183 (VCV002770183.4), dbSNP rs993421984, ClinGen allele CA470985488.

ClinVar aggregate classification (germline): Likely benign. Review status: criteria provided, multiple submitters, no conflicts (2 of 4 stars). 2 submissions from 2 submitters: Likely benign (2). Last evaluated 2025-02-26.

Conditions:
Autosomal dominant epilepsy with auditory features. Identifiers: Orphanet 101046, MedGen C1838062, MONDO:0010898.

Allele frequency attached by ClinVar (database versions not stated): gnomAD 0.00001.
gnomAD v4.1: 4 of 1,614,096 alleles (0.00025%); highest among the groups gnomAD compares: Admixed American, 0.005%; no homozygotes.

Submissions (2):

Athena Diagnostics
Classification: Likely benign. Last evaluated: 2025-02-26. Review status: criteria provided, single submitter. Criteria: Athena Diagnostics Criteria. Collection method: clinical testing. Allele origin: unknown.
Comment: Computational tools yielded predictions that this variant is unlikely to have an effect on normal RNA splicing. This nucleotide position exhibits low evolutionary conservation.

Labcorp Genetics (formerly Invitae), Labcorp
Classification: Likely benign for Autosomal dominant epilepsy with auditory features. Last evaluated: 2023-03-12. Review status: criteria provided, single submitter. Criteria: Invitae Variant Classification Sherloc (09022015). Collection method: clinical testing. Allele origin: germline.